The following is an entry in ClinVar:

ClinVar aggregate classification (germline): Pathogenic (1 of 4 stars; one submission).

Conditions:
Ehlers-Danlos syndrome, dermatosparaxis type. Also called: EDS VIIC; Dermatosparaxis; Ehlers-Danlos syndrome, type VII, autosomal recessive. Identifiers: Orphanet 1901, MedGen C2700425, MONDO:0009161, OMIM 225410.

Submission:

Myriad Genetics, Inc.
Classification: Pathogenic for Ehlers-Danlos syndrome, dermatosparaxis type. Last evaluated: 2024-05-14. Review status: criteria provided, single submitter. Criteria: Myriad Autosomal Dominant, Autosomal Recessive and X-Linked Classification Criteria (2023). Collection method: clinical testing. Allele origin: unknown.
Comment: NM_014244.4(ADAMTS2):c.108_109ins5(A37Sfs*130) is expected to be pathogenic in the context of Ehlers-Danlos syndrome, ADAMTS2-related. This variant is predicted to lead to an abnormal or absent protein product due to the creation of a premature termination codon in ADAMTS2, a gene where loss-of-function variants are known to be pathogenic. Please note: this variant was assessed in the context of healthy population screening.

NM_014244.5(ADAMTS2):c.108_109insAGCAG (p.Ala37fs)

Gene: ADAMTS2 (ADAM metallopeptidase with thrombospondin type 1 motif 2; minus strand). Cytogenetic location: 5q35.3.
Variant type: Insertion.
Coding change: c.108_109insAGCAG on transcript NM_014244.5 (MANE Select); coding-DNA positions 108 to 109, AGCAG inserted.
Protein change: p.Ala37fs; shifts the reading frame from alanine 37.
Molecular consequence: frameshift variant.
Genome position: GRCh38 VCF-style: chr5-179345220-C-CCTGCT. GRCh37 (hg19) VCF-style: chr5-178772221-C-CCTGCT.
Other names: c.108_109insAGCAG, p.Ala37fs (NM_021599.4); short protein forms A37fs.
Identifiers: ClinVar variation 5010846 (VCV005010846.1).
Genomic context (GRCh38, chr5:179,345,220, plus strand): 5'-CCCGGGGAGTAGGGGCCGGGCCGCACCTACCTGGGGGGTCGGCGGCGGCGGCGAGCCTGG[C>CCTGCT]GTTCGCGGGCGGCGGCGGCGGCGGCAGGAGCGGCGGCGGCAGCAGCAGCAGCAGCAGCAG-3'